The following is an entry in ClinVar:

NM_205861.3(DHDDS):c.113G>A (p.Arg38His)

Gene: DHDDS (dehydrodolichyl diphosphate synthase subunit; plus strand). Cytogenetic location: 1p36.11.
Variant type: single nucleotide variant.
Coding change: c.113G>A on transcript NM_205861.3 (MANE Select); coding-DNA position 113, G replaced by A.
Protein change: p.Arg38His; replaces arginine 38 with histidine.
Molecular consequence: missense variant. On other transcripts: 5 prime UTR variant (1).
Genome position (GRCh38, 1-based): chr1:26,438,217, G>A. VCF-style: chr1-26438217-G-A. GRCh37 (hg19) VCF-style: chr1-26764708-G-A.
Other names: c.113G>A, p.Arg38His (NM_001243564.2, NM_001243565.2, NM_024887.4); c.-190G>A (NM_001319959.2); c.113G>A (NM_024887.3); short protein forms R38H.
Identifiers: ClinVar variation 807406 (VCV000807406.6), dbSNP rs1570332505, ClinGen allele CA339138692.

ClinVar aggregate classification (germline): Pathogenic/Likely pathogenic. Review status: criteria provided, multiple submitters, no conflicts (2 of 4 stars). 4 submissions from 4 submitters: Pathogenic (2); Likely pathogenic (2). Last evaluated 2025-09-09.

Conditions:
Inborn genetic diseases. Identifiers: MedGen C0950123, MeSH D030342.
Developmental delay and seizures with or without movement abnormalities. Identifiers: MedGen C4693376, MONDO:0044326, OMIM 617836.

Submissions (4):

Ambry Genetics
Classification: Pathogenic for Inborn genetic diseases. Last evaluated: 2025-09-09. Review status: criteria provided, single submitter. Criteria: Ambry Variant Classification Scheme 2023. Collection method: clinical testing. Allele origin: germline.
Comment: The c.113G>A (p.R38H) alteration is located in exon 3 (coding exon 2) of the DHDDS gene. This alteration results from a G to A substitution at nucleotide position 113, causing the arginine (R) at amino acid position 38 to be replaced by a histidine (H). for autosomal dominant DHDDS-related neurodevelopmental disorder; however, its clinical significance for autosomal recessive retinitis pigmentosa is uncertain. This variant was not reported in population-based cohorts in the Genome Aggregation Database (gnomAD). This variant was reported in individual(s) with features consistent with DHDDS-related neurodevelopmental disorder; in at least one individual, it was determined to be de novo (O'Brien, 2022; Shin, 2023; Dong, 2023). This amino acid position is highly conserved in available vertebrate species. This alteration is predicted to be deleterious by in silico analysis. Based on the available evidence, this alteration is classified as pathogenic.

Clinical Omics and Informatics (COIN) Unit, Neuroscience Institute, University Of Cape Town
Classification: Likely pathogenic for Developmental delay and seizures with or without movement abnormalities. Last evaluated: 2025-02-10. Review status: criteria provided, single submitter. Criteria: ACMG Guidelines, 2015. Collection method: research. Allele origin: germline. Inheritance: Autosomal dominant inheritance. Affected: yes. Observed: 1 variant allele, 1 heterozygote.
Comment: This variant is absent from gnomAD v4.0 (adequate coverage >20X confirmed). PP3_Moderate: Revel score is 0.893. PM1 Met: variant is located in a mutational hot spot and the active site of dehydrodolichyl diphosphate synthase (DHDDS) (PMID:32817466), a critical and well-established functional domain. PM6 Met: 1.5 points awarded for heterozygous de novo observations of variant in 3 unrelated probands with consistent phenotype for disorder (PMID:23934111, PMID:34906498). PS4_Supporting: 2 unrelated probands with consistent phenotype for disorder (ClinVar SCV004174153.1, PMID:37881805). PP1 Not Met: 1 informative meiosis in 1 family (PMID:37881805). PS3_Supporting: functional studies indicate that the variant affects active site residues directly involved in substrate binding and catalysis (PMID:32817466) and directly perturbs substrate binding (PMID:33077723). PM5 Met: Other missense variants at the same amino acid have been reported as pathogenic: c.112C>T p.Arg38Cys (ClinVar VCV001467791.10) and c.113G>C p.Arg38Pro (PMID:37356182). Sequencing funded by the International Centre for Genomic Medicine in Neuromuscular Diseases (ICGNMD).

Institute of Human Genetics, Cologne University
Classification: Likely pathogenic for Developmental delay and seizures with or without movement abnormalities. Last evaluated: 2023-11-28. Review status: criteria provided, single submitter. Criteria: ACMG Guidelines, 2015. Collection method: clinical testing. Allele origin: germline. Affected: yes.

Institute of Human Genetics Munich, TUM University Hospital
Classification: Pathogenic for Developmental delay and seizures with or without movement abnormalities. Last evaluated: 2018-03-08. Review status: criteria provided, single submitter. Criteria: Classification criteria August 2017. Collection method: clinical testing. Allele origin: de novo. Inheritance: Autosomal dominant inheritance. Affected: yes. Observed: 1 heterozygote.

Literature cited by the submitters: PubMed 34906498 (cited by Ambry Genetics and Clinical Omics and Informatics (COIN) Unit, Neuroscience Institute, University Of Cape Town); PubMed 37776660 (cited by Ambry Genetics); PubMed 37881805 (cited by Ambry Genetics and Clinical Omics and Informatics (COIN) Unit, Neuroscience Institute, University Of Cape Town); PubMed 32817466 (cited by Clinical Omics and Informatics (COIN) Unit, Neuroscience Institute, University Of Cape Town); PubMed 23934111 (cited by Clinical Omics and Informatics (COIN) Unit, Neuroscience Institute, University Of Cape Town); PubMed 33077723 (cited by Clinical Omics and Informatics (COIN) Unit, Neuroscience Institute, University Of Cape Town); PubMed 37356182 (cited by Clinical Omics and Informatics (COIN) Unit, Neuroscience Institute, University Of Cape Town).